The following is an entry in ClinVar:

ClinVar aggregate classification (germline): Uncertain significance (1 of 4 stars; one submission).

Conditions:
Emery-Dreifuss muscular dystrophy 4, autosomal dominant (EDMD4). Also called: EMERY-DREIFUSS MUSCULAR DYSTROPHY 4 WITH VARIABLE FEATURES. Identifiers: Orphanet 261, MedGen C2751807, MONDO:0013071, OMIM 612998.
Autosomal recessive ataxia, Beauce type. Also called: SYNE1 Deficiency; Spinocerebellar ataxia, autosomal recessive 8; ATAXIA, RECESSIVE, OF BEAUCE; SYNE1-Related Autosomal Recessive Cerebellar Ataxia. Identifiers: Orphanet 88644, MedGen C1853116, MONDO:0012549, OMIM 610743.

Allele frequency attached by ClinVar (database versions not stated): gnomAD 0.00001.

Submission:

Labcorp Genetics (formerly Invitae), Labcorp
Classification: Uncertain significance for Emery-Dreifuss muscular dystrophy 4, autosomal dominant; Autosomal recessive ataxia, Beauce type. Last evaluated: 2022-11-08. Review status: criteria provided, single submitter. Criteria: Invitae Variant Classification Sherloc (09022015). Collection method: clinical testing. Allele origin: germline.
Comment: In summary, the available evidence is currently insufficient to determine the role of this variant in disease. Therefore, it has been classified as a Variant of Uncertain Significance. Algorithms developed to predict the effect of missense changes on protein structure and function (SIFT, PolyPhen-2, Align-GVGD) all suggest that this variant is likely to be disruptive. This variant has not been reported in the literature in individuals affected with SYNE1-related conditions. This variant is present in population databases (rs746326110, gnomAD 0.004%). This sequence change replaces arginine, which is basic and polar, with glutamine, which is neutral and polar, at codon 7084 of the SYNE1 protein (p.Arg7084Gln).

NM_182961.4(SYNE1):c.21464G>A (p.Arg7155Gln)

Gene: SYNE1 (spectrin repeat containing nuclear envelope protein 1; minus strand). Cytogenetic location: 6q25.2.
Variant type: single nucleotide variant.
Coding change: c.21464G>A on transcript NM_182961.4 (MANE Select); coding-DNA position 21464, G replaced by A.
Protein change: p.Arg7155Gln; replaces arginine 7155 with glutamine.
Molecular consequence: missense variant.
Genome position (GRCh38, 1-based): chr6:152,224,552, C>T on the plus strand (G>A on the coding strand, the complement: SYNE1 is on the minus strand). VCF-style: chr6-152224552-C-T. GRCh37 (hg19) VCF-style: chr6-152545687-C-T.
Other names: c.21251G>A, p.Arg7084Gln (NM_033071.5); short protein forms R7155Q, R7084Q.
Identifiers: ClinVar variation 1984508 (VCV001984508.4), dbSNP rs746326110, ClinGen allele CA4054154.